The following is an entry in ClinVar:

NM_003128.3(SPTBN1):c.5735A>G (p.Asp1912Gly)

Gene: SPTBN1 (spectrin beta, non-erythrocytic 1; plus strand). Cytogenetic location: 2p16.2.
Variant type: single nucleotide variant.
Coding change: c.5735A>G on transcript NM_003128.3 (MANE Select); coding-DNA position 5735, A replaced by G.
Protein change: p.Asp1912Gly; replaces aspartic acid 1912 with glycine.
Molecular consequence: missense variant.
Genome position (GRCh38, 1-based): chr2:54,653,766, A>G. VCF-style: chr2-54653766-A-G. GRCh37 (hg19) VCF-style: chr2-54880903-A-G.
Other names: c.5696A>G, p.Asp1899Gly (NM_178313.3); short protein forms D1899G, D1912G.
Identifiers: ClinVar variation 3767480 (VCV003767480.2).

ClinVar aggregate classification (germline): Uncertain significance (1 of 4 stars; one submission).

gnomAD v4.1: 1 of 1,614,190 alleles (0.000062%); no homozygotes.

Submission:

GeneDx
Classification: Uncertain significance. Last evaluated: 2026-01-17. Review status: criteria provided, single submitter. Criteria: GeneDx Variant Classification Process June 2021. Collection method: clinical testing. Allele origin: germline.
Comment: Not observed at significant frequency in large population cohorts (gnomAD); In silico analysis supports that this missense variant has a deleterious effect on protein structure/function; Has not been previously published as pathogenic or benign to our knowledge